The following is an entry in ClinVar:

ClinVar aggregate classification (germline): Uncertain significance (1 of 4 stars; one submission).

gnomAD v4.1: 15 of 1,614,140 alleles (0.00093%); highest among the groups gnomAD compares: South Asian, 0.0055%; no homozygotes.

Submission:

GeneDx
Classification: Uncertain significance. Last evaluated: 2024-07-19. Review status: criteria provided, single submitter. Criteria: GeneDx Variant Classification Process June 2021. Collection method: clinical testing. Allele origin: germline. Affected: yes.
Comment: In silico analysis supports that this missense variant has a deleterious effect on protein structure/function; Has not been previously published as pathogenic or benign to our knowledge; This variant is associated with the following publications: (PMID: 21520338, 31554319, 9590290)

NM_005422.4(TECTA):c.4858G>A (p.Gly1620Ser)

Genes: TBCEL-TECTA (TBCEL-TECTA readthrough; plus strand), TECTA (tectorin alpha; plus strand). Cytogenetic location: 11q23.3.
Variant type: single nucleotide variant.
Coding change: c.4858G>A on transcript NM_005422.4 (MANE Select); coding-DNA position 4858, G replaced by A.
Protein change: p.Gly1620Ser; replaces glycine 1620 with serine.
Molecular consequence: missense variant.
Genome position (GRCh38, 1-based): chr11:121,160,303, G>A. VCF-style: chr11-121160303-G-A. GRCh37 (hg19) VCF-style: chr11-121031012-G-A.
Other names: c.5815G>A, p.Gly1939Ser (NM_001378761.1); short protein forms G1620S, G1939S.
Identifiers: ClinVar variation 3573563 (VCV003573563.1).